The following is an entry in ClinVar:

ClinVar aggregate classification (germline): Pathogenic. Review status: criteria provided, single submitter (1 of 4 stars). 2 submissions from 2 submitters: Pathogenic (1). 1 of the submissions does not count toward it. Last evaluated 2022-01-03.

Conditions:
Tuberous sclerosis syndrome (TSC). Also called: Tuberous Sclerosis Complex; Tuberous sclerosis. Identifiers: Orphanet 805, MedGen C0041341, MONDO:0001734.
Tuberous sclerosis 2 (TSC2). Identifiers: Orphanet 805, MedGen C1860707, MONDO:0013199, OMIM 613254.

Submissions (2):

Labcorp Genetics (formerly Invitae), Labcorp
Classification: Pathogenic for Tuberous sclerosis 2. Last evaluated: 2022-01-03. Review status: criteria provided, single submitter. Criteria: Invitae Variant Classification Sherloc (09022015). Collection method: clinical testing. Allele origin: germline.
Comment: ClinVar contains an entry for this variant (Variation ID: 65113). For these reasons, this variant has been classified as Pathogenic. This variant has not been reported in the literature in individuals affected with TSC2-related conditions. This variant is not present in population databases (gnomAD no frequency). This sequence change creates a premature translational stop signal (p.Thr41Profs*5) in the TSC2 gene. It is expected to result in an absent or disrupted protein product. Loss-of-function variants in TSC2 are known to be pathogenic (PMID: 10205261, 17304050).

Tuberous sclerosis database (TSC2)
No classification provided. Condition: TSC. Review status: no classification provided. Criteria: Tuberous Sclerosis Database Assertion Criteria 2015. Collection method: curation. Allele origin: germline. Affected: yes. Not counted in ClinVar's aggregate classification.

Literature cited by the submitters: PubMed 10205261 (cited by Labcorp Genetics (formerly Invitae), Labcorp); PubMed 17304050 (cited by Labcorp Genetics (formerly Invitae), Labcorp).

NM_000548.5(TSC2):c.120del (p.Thr41fs)

Gene: TSC2 (TSC complex subunit 2; plus strand). Cytogenetic location: 16p13.3.
Variant type: Deletion.
Coding change: c.120del on transcript NM_000548.5 (MANE Select); coding-DNA position 120, one base deleted (C; older notation c.120delC).
Protein change: p.Thr41fs; shifts the reading frame from threonine 41.
Molecular consequence: frameshift variant. On other transcripts: 5 prime UTR variant (1), intron variant (1).
Genome position (GRCh38, 1-based): chr16:2,048,735, C deleted. VCF-style (leftmost placement, unchanged base first): chr16-2048734-TC-T. GRCh37 (hg19) VCF-style: chr16-2098735-TC-T.
Other names: c.120del, p.Thr41fs (NM_001077183.3, NM_001114382.3, NM_001318827.2 and 4 more transcripts); c.-107del (NM_001318831.2); c.153del, p.Thr52fs (NM_001318832.2); c.-10+670del (NM_001318829.2); short protein forms T41fs, T52fs.
Identifiers: ClinVar variation 65113 (VCV000065113.6), dbSNP rs397515085, ClinGen allele CA014037.